The following is an entry in ClinVar:

NM_177438.3(DICER1):c.3625A>G (p.Ile1209Val)

Gene: DICER1 (dicer 1, ribonuclease III; minus strand). Cytogenetic location: 14q32.13.
Variant type: single nucleotide variant.
Coding change: c.3625A>G on transcript NM_177438.3 (MANE Select); coding-DNA position 3625, A replaced by G.
Protein change: p.Ile1209Val; replaces isoleucine 1209 with valine.
Molecular consequence: missense variant. On other transcripts: non-coding transcript variant (6).
Genome position (GRCh38, 1-based): chr14:95,103,771, T>C on the plus strand (A>G on the coding strand, the complement: DICER1 is on the minus strand). VCF-style: chr14-95103771-T-C. GRCh37 (hg19) VCF-style: chr14-95570108-T-C.
Other names: c.3625A>G, p.Ile1209Val (NM_001195573.1, NM_001271282.3, NM_001291628.2 and 13 more transcripts); c.3343A>G, p.Ile1115Val (NM_001395686.1); c.3220A>G, p.Ile1074Val (NM_001395687.1, NM_001395688.1, NM_001395689.1 and 2 more transcripts); c.3058A>G, p.Ile1020Val (NM_001395691.1); c.1942A>G, p.Ile648Val (NM_001395697.1); short protein forms I1115V, I1074V, I648V, I1020V, I1209V.
Identifiers: ClinVar variation 2586418 (VCV002586418.2), dbSNP rs2542705645, ClinGen allele CA390874628.

ClinVar aggregate classification (germline): Uncertain significance (1 of 4 stars; one submission).

Conditions:
Hereditary cancer-predisposing syndrome. Also called: Hereditary neoplastic syndrome; Tumor predisposition; Hereditary Cancer Syndrome; Neoplastic Syndromes, Hereditary. Identifiers: Orphanet 140162, MedGen C0027672, MeSH D009386, MONDO:0015356.

Allele frequency attached by ClinVar (database versions not stated): gnomAD exomes below 0.00001.
gnomAD v4.1: 1 of 1,614,230 alleles (0.000062%); highest among the groups gnomAD compares: Admixed American, 0.0017%; no homozygotes.

Submission:

Ambry Genetics
Classification: Uncertain significance for Hereditary cancer-predisposing syndrome. Last evaluated: 2023-08-28. Review status: criteria provided, single submitter. Criteria: Ambry Variant Classification Scheme 2023. Collection method: clinical testing. Allele origin: germline.
Comment: The p.I1209V variant (also known as c.3625A>G), located in coding exon 20 of the DICER1 gene, results from an A to G substitution at nucleotide position 3625. The isoleucine at codon 1209 is replaced by valine, an amino acid with highly similar properties. This amino acid position is conserved. In addition, this alteration is predicted to be tolerated by in silico analysis. Since supporting evidence is limited at this time, the clinical significance of this alteration remains unclear.